The following is an entry in ClinVar:

ClinVar aggregate classification (germline): Benign (1 of 4 stars; one submission).

Allele frequency attached by ClinVar (database versions not stated): 1000 Genomes Project 0.05891; 1000 Genomes Project 30x 0.06059; TOPMed 0.08076; gnomAD 0.08261 and 0.08614.
gnomAD v4.1: 11,436 of 138,956 alleles (8.2%); highest among the groups gnomAD compares: African/African-American, 14%; 589 homozygotes.

Submission:

GeneDx
Classification: Benign. Last evaluated: 2018-06-19. Review status: criteria provided, single submitter. Criteria: GeneDx Variant Classification (06012015). Collection method: clinical testing. Allele origin: germline. Affected: yes.
Comment: This variant is considered likely benign or benign based on one or more of the following criteria: it is a conservative change, it occurs at a poorly conserved position in the protein, it is predicted to be benign by multiple in silico algorithms, and/or has population frequency not consistent with disease.

NM_006859.4(LIAS):c.954+269G>A

Gene: LIAS (lipoic acid synthetase; plus strand). Cytogenetic location: 4p14.
Variant type: single nucleotide variant.
Coding change: c.954+269G>A on transcript NM_006859.4 (MANE Select); 269 bases into the intron after coding-DNA position 954, G replaced by A.
Molecular consequence: intron variant.
Genome position (GRCh38, 1-based): chr4:39,471,575, G>A. VCF-style: chr4-39471575-G-A. GRCh37 (hg19) VCF-style: chr4-39473195-G-A.
Other names: c.954+269G>A (NM_194451.3); c.825+269G>A (NM_001278590.2); c.645+269G>A (NM_001363700.2).
Identifiers: ClinVar variation 674137 (VCV000674137.1), dbSNP rs112703940, ClinGen allele CA95732287.